The following is an entry in ClinVar:

ClinVar aggregate classification (germline): Pathogenic/Likely pathogenic. Review status: criteria provided, multiple submitters, no conflicts (2 of 4 stars). 4 submissions from 4 submitters: Pathogenic (1); Likely pathogenic (3). Last evaluated 2025-12-30.

Conditions:
Galactosemia. Also called: Galactose intolerance. Identifiers: Orphanet 352, MedGen C0016952, MONDO:0018116, HP:0004919. Disease mechanism: loss of function.
Deficiency of UDPglucose-hexose-1-phosphate uridylyltransferase. Also called: GALACTOSE-1-PHOSPHATE URIDYLYLTRANSFERASE DEFICIENCY; GALT deficiency; Galactosemia, classic; Transferase Deficiency Galactosemia; GALACTOSEMIA I. Identifiers: Orphanet 352, Orphanet 79239, MedGen C0268151, MONDO:0009258, OMIM 230400.

Allele frequency attached by ClinVar (database versions not stated): TOPMed 0.00001.

Submissions (4):

Natera, Inc.
Classification: Likely pathogenic for Galactosemia. Last evaluated: 2025-12-30. Review status: criteria provided, single submitter. Criteria: Natera Variant Classification Schema (03/2026). Collection method: clinical testing. Allele origin: germline.
Comment: The c.98G>A variant in GALT is a missense variant predicted to cause substitution of arginine to histidine at amino acid 33. This variant is rare in the general population with a frequency below the threshold expected for the associated phenotype(s). This variant has been observed in one or more individuals affected with the associated recessive disease, as either homozygous or compound heterozygous with a second variant (PMID: 27176039, 31194682). Computational prediction algorithms indicate this variant is likely to affect gene or protein function. Given the available evidence, this variant is classified as Likely Pathogenic.

Labcorp Genetics (formerly Invitae), Labcorp
Classification: Likely pathogenic for Deficiency of UDPglucose-hexose-1-phosphate uridylyltransferase. Last evaluated: 2025-07-14. Review status: criteria provided, single submitter. Criteria: Invitae Variant Classification Sherloc (09022015). Collection method: clinical testing. Allele origin: germline.
Comment: This sequence change replaces arginine, which is basic and polar, with histidine, which is basic and polar, at codon 33 of the GALT protein (p.Arg33His). This variant is not present in population databases (gnomAD no frequency). This missense change has been observed in individual(s) with galactosemia (PMID: 17041746, 31194682). ClinVar contains an entry for this variant (Variation ID: 25124). Invitae Evidence Modeling of protein sequence and biophysical properties (such as structural, functional, and spatial information, amino acid conservation, physicochemical variation, residue mobility, and thermodynamic stability) indicates that this missense variant is expected to disrupt GALT protein function with a positive predictive value of 95%. This variant disrupts the p.Arg33 amino acid residue in GALT. Other variant(s) that disrupt this residue have been observed in individuals with GALT-related conditions (PMID: 25592817, 31194895), which suggests that this may be a clinically significant amino acid residue. In summary, the currently available evidence indicates that the variant is pathogenic, but additional data are needed to prove that conclusively. Therefore, this variant has been classified as Likely Pathogenic.

Baylor Genetics
Classification: Likely pathogenic for Deficiency of UDPglucose-hexose-1-phosphate uridylyltransferase. Last evaluated: 2023-12-10. Review status: criteria provided, single submitter. Criteria: ACMG Guidelines, 2015. Collection method: clinical testing. Allele origin: unknown.

Women's Health and Genetics/Laboratory Corporation of America, LabCorp
Classification: Pathogenic for Deficiency of UDPglucose-hexose-1-phosphate uridylyltransferase. Last evaluated: 2023-11-14. Review status: criteria provided, single submitter. Criteria: LabCorp Variant Classification Summary - May 2015. Collection method: clinical testing. Allele origin: germline.
Comment: Variant summary: GALT c.98G>A (p.Arg33His) results in a non-conservative amino acid change located in the Galactose-1-phosphate uridyl transferase, N-terminal domain of the encoded protein sequence. Five of five in-silico tools predict a damaging effect of the variant on protein function. The variant was absent in 251524 control chromosomes (gnomAD). c.98G>A has been reported in the literature in multiple individuals affected with Galactosemia (examples: Gort_2006, Garcia_2016, Tele Kisa_2019). These data indicate that the variant is very likely to be associated with disease. At least one publication reports GALT enzyme activities below the normal range in erythrocytes from patients, suggesting a deleterious effect of the variant (Gort_2006 and Garcia_2016). The following publications have been ascertained in the context of this evaluation (PMID: 20008339, 27176039, 17041746, 27005423, 31194682). One submitter has cited clinical-significance assessments for this variant to ClinVar after 2014 and has classified the variant as likely pathogenic. Based on the evidence outlined above, the variant was classified as pathogenic.

Literature cited by the submitters: PubMed 27176039 (cited by Natera, Inc. and Women's Health and Genetics/Laboratory Corporation of America, LabCorp); PubMed 31194682 (cited by 3 submitters); PubMed 17041746 (cited by Labcorp Genetics (formerly Invitae), Labcorp and Women's Health and Genetics/Laboratory Corporation of America, LabCorp); PubMed 25592817 (cited by Labcorp Genetics (formerly Invitae), Labcorp); PubMed 31194895 (cited by Labcorp Genetics (formerly Invitae), Labcorp); PubMed 20008339 (cited by Women's Health and Genetics/Laboratory Corporation of America, LabCorp); PubMed 27005423 (cited by Women's Health and Genetics/Laboratory Corporation of America, LabCorp).

NM_000155.4(GALT):c.98G>A (p.Arg33His)

Genes: GALT (galactose-1-phosphate uridylyltransferase; plus strand), LOC130001683 (ATAC-STARR-seq lymphoblastoid active region 28314; plus strand). Cytogenetic location: 9p13.3.
Variant type: single nucleotide variant.
Coding change: c.98G>A on transcript NM_000155.4 (MANE Select); coding-DNA position 98, G replaced by A.
Protein change: p.Arg33His; replaces arginine 33 with histidine.
Molecular consequence: missense variant. On other transcripts: 5 prime UTR variant (1).
Genome position (GRCh38, 1-based): chr9:34,647,104, G>A. VCF-style: chr9-34647104-G-A. GRCh37 (hg19) VCF-style: chr9-34647101-G-A.
Other names: c.-105G>A (NM_001258332.2); c.98G>A (NM_000155.3).
Identifiers: ClinVar variation 25124 (VCV000025124.14), dbSNP rs111033829, ClinGen allele CA259323.